The following is an entry in ClinVar:

NM_000434.4(NEU1):c.1069C>T (p.Arg357Trp)

Gene: NEU1 (neuraminidase 1; minus strand). Cytogenetic location: 6p21.33.
Variant type: single nucleotide variant.
Coding change: c.1069C>T on transcript NM_000434.4 (MANE Select); coding-DNA position 1069, C replaced by T.
Protein change: p.Arg357Trp; replaces arginine 357 with tryptophan.
Molecular consequence: missense variant.
Genome position (GRCh38, 1-based): chr6:31,859,898, G>A on the plus strand (C>T on the coding strand, the complement: NEU1 is on the minus strand). VCF-style: chr6-31859898-G-A. GRCh37 (hg19) VCF-style: chr6-31827675-G-A.
Other names: p.Arg357Trp; short protein forms R357W.
Identifiers: ClinVar variation 1314037 (VCV001314037.6), dbSNP rs772426069, ClinGen allele CA3724882.

ClinVar aggregate classification (germline): Conflicting classifications of pathogenicity. Review status: criteria provided, conflicting classifications (1 of 4 stars). 4 submissions from 4 submitters: Uncertain significance (3); Likely benign (1). Last evaluated 2023-06-20.

Conditions:
Inborn genetic diseases. Identifiers: MedGen C0950123, MeSH D030342.

Allele frequency attached by ClinVar (database versions not stated): ExAC 0.00003; gnomAD exomes 0.00003; TOPMed 0.00008; gnomAD 0.00011 and 0.00012.
gnomAD v4.1: 68 of 1,612,920 alleles (0.0042%); highest among the groups gnomAD compares: African/African-American, 0.06%; 1 homozygote.

Submissions (4):

Blueprint Genetics
Classification: Uncertain significance. Last evaluated: 2023-06-20. Review status: criteria provided, single submitter. Criteria: ACMG Guidelines, 2015. Collection method: clinical testing. Allele origin: germline.

Ambry Genetics
Classification: Likely benign for Inborn genetic diseases. Last evaluated: 2022-11-08. Review status: criteria provided, single submitter. Criteria: Ambry Variant Classification Scheme 2023. Collection method: clinical testing. Allele origin: germline.

Mayo Clinic Laboratories, Mayo Clinic
Classification: Uncertain significance. Last evaluated: 2022-11-03. Review status: criteria provided, single submitter. Criteria: ACMG Guidelines, 2015. Collection method: clinical testing. Allele origin: germline. Observed: 1 variant allele.

GeneDx
Classification: Uncertain significance. Last evaluated: 2021-01-22. Review status: criteria provided, single submitter. Criteria: GeneDx Variant Classification Process June 2021. Collection method: clinical testing. Allele origin: germline. Affected: yes.
Comment: In silico analysis supports that this missense variant does not alter protein structure/function; Has not been previously published as pathogenic or benign to our knowledge